The following is an entry in ClinVar:

ClinVar aggregate classification (germline): Uncertain significance (1 of 4 stars; one submission).

Conditions:
Emery-Dreifuss muscular dystrophy 5, autosomal dominant (EDMD5). Also called: EMERY-DREIFUSS MUSCULAR DYSTROPHY 5. Identifiers: Orphanet 261, MedGen C2751805, MONDO:0013072, OMIM 612999.

Allele frequency attached by ClinVar (database versions not stated): gnomAD exomes below 0.00001; gnomAD 0.00002; TOPMed 0.00003.
gnomAD v4.1: 4 of 1,613,648 alleles (0.00025%); highest among the groups gnomAD compares: African/African-American, 0.0053%; no homozygotes.

Submission:

Labcorp Genetics (formerly Invitae), Labcorp
Classification: Uncertain significance for Emery-Dreifuss muscular dystrophy 5, autosomal dominant. Last evaluated: 2021-07-26. Review status: criteria provided, single submitter. Criteria: Invitae Variant Classification Sherloc (09022015). Collection method: clinical testing. Allele origin: germline.
Comment: This sequence change replaces isoleucine with valine at codon 1658 of the SYNE2 protein (p.Ile1658Val). The isoleucine residue is weakly conserved and there is a small physicochemical difference between isoleucine and valine. This variant has not been reported in the literature in individuals affected with SYNE2-related conditions. This variant is not present in population databases (ExAC no frequency). In summary, the available evidence is currently insufficient to determine the role of this variant in disease. Therefore, it has been classified as a Variant of Uncertain Significance. Algorithms developed to predict the effect of missense changes on protein structure and function output the following: SIFT: "Tolerated"; PolyPhen-2: "Benign"; Align-GVGD: "Class C0". The valine amino acid residue is found in multiple mammalian species, which suggests that this missense change does not adversely affect protein function.

NM_182914.3(SYNE2):c.4972A>G (p.Ile1658Val)

Gene: SYNE2 (spectrin repeat containing nuclear envelope protein 2; plus strand). Cytogenetic location: 14q23.2.
Variant type: single nucleotide variant.
Coding change: c.4972A>G on transcript NM_182914.3 (MANE Select); coding-DNA position 4972, A replaced by G.
Protein change: p.Ile1658Val; replaces isoleucine 1658 with valine.
Molecular consequence: missense variant.
Genome position (GRCh38, 1-based): chr14:64,017,679, A>G. VCF-style: chr14-64017679-A-G. GRCh37 (hg19) VCF-style: chr14-64484397-A-G.
Other names: c.4972A>G, p.Ile1658Val (NM_015180.6); short protein forms I1658V.
Identifiers: ClinVar variation 1416915 (VCV001416915.8), dbSNP rs1202099367, ClinGen allele CA389938296.